The following is an entry in ClinVar:

ClinVar aggregate classification (germline): Uncertain significance. Review status: criteria provided, multiple submitters, no conflicts (2 of 4 stars). 2 submissions from 2 submitters: Uncertain significance (2). Last evaluated 2025-11-03.

Conditions:
Inborn genetic diseases. Identifiers: MedGen C0950123, MeSH D030342.

gnomAD v4.1: 3 of 1,186,090 alleles (0.00025%); highest among the groups gnomAD compares: Non-Finnish European, 0.00034%; no homozygotes.

Submissions (2):

Labcorp Genetics (formerly Invitae), Labcorp
Classification: Uncertain significance. Last evaluated: 2025-11-03. Review status: criteria provided, single submitter. Criteria: Invitae Variant Classification Sherloc (09022015). Collection method: clinical testing. Allele origin: germline.
Comment: This sequence change replaces proline, which is neutral and non-polar, with serine, which is neutral and polar, at codon 1319 of the POLA1 protein (p.Pro1319Ser). This variant is not present in population databases (gnomAD no frequency). This variant has not been reported in the literature in individuals affected with POLA1-related conditions. ClinVar contains an entry for this variant (Variation ID: 3935505). An algorithm developed to predict the effect of missense changes on protein structure and function (PolyPhen-2) suggests that this variant is likely to be disruptive. In summary, the available evidence is currently insufficient to determine the role of this variant in disease. Therefore, it has been classified as a Variant of Uncertain Significance.

Ambry Genetics
Classification: Uncertain significance for Inborn genetic diseases. Last evaluated: 2025-06-12. Review status: criteria provided, single submitter. Criteria: Ambry Variant Classification Scheme 2023. Collection method: clinical testing. Allele origin: germline.

NM_001330360.2(POLA1):c.3973C>T (p.Pro1325Ser)

Gene: POLA1 (DNA polymerase alpha 1, catalytic subunit; plus strand). Cytogenetic location: Xp22.11.
Variant type: single nucleotide variant.
Coding change: c.3973C>T on transcript NM_001330360.2 (MANE Select); coding-DNA position 3973, C replaced by T.
Protein change: p.Pro1325Ser; replaces proline 1325 with serine.
Molecular consequence: missense variant. On other transcripts: non-coding transcript variant (2).
Genome position (GRCh38, 1-based): chrX:24,843,603, C>T. VCF-style: chrX-24843603-C-T. GRCh37 (hg19) VCF-style: chrX-24861720-C-T.
Other names: c.3898C>T, p.Pro1300Ser (NM_001378303.1); c.3955C>T, p.Pro1319Ser (NM_016937.4); short protein forms P1319S, P1325S, P1300S.
Identifiers: ClinVar variation 3935505 (VCV003935505.2).
Genomic context (GRCh38, chrX:24,843,603, plus strand): 5'-TAGGGAACAGATATGGAGCCCAGCTTGTATCGTTGCAGTAACATCGATTGTAAGGCTTCA[C>T]CTCTGACCTTTACAGTACAACTGAGCAACAAATTGATCATGGACATTAGACGTTTCATTA-3'
Protein context (NP_001317289.1, residues 1315-1335): RCSNIDCKAS[Pro1325Ser]LTFTVQLSNK